The following is an entry in ClinVar:

ClinVar aggregate classification (germline): Uncertain significance (1 of 4 stars; one submission).

Allele frequency attached by ClinVar (database versions not stated): ExAC 0.00001.
gnomAD v4.1: 19 of 1,600,280 alleles (0.0012%); highest among the groups gnomAD compares: Non-Finnish European, 0.0015%; no homozygotes.

Submission:

Labcorp Genetics (formerly Invitae), Labcorp
Classification: Uncertain significance. Last evaluated: 2022-04-06. Review status: criteria provided, single submitter. Criteria: Invitae Variant Classification Sherloc (09022015). Collection method: clinical testing. Allele origin: germline.
Comment: This sequence change falls in intron 2 of the MCM4 gene. It does not directly change the encoded amino acid sequence of the MCM4 protein. It affects a nucleotide within the consensus splice site. The frequency data for this variant in the population databases is considered unreliable, as metrics indicate poor data quality at this position in the gnomAD database. This variant has not been reported in the literature in individuals affected with MCM4-related conditions. Variants that disrupt the consensus splice site are a relatively common cause of aberrant splicing (PMID: 17576681, 9536098). Algorithms developed to predict the effect of sequence changes on RNA splicing suggest that this variant is not likely to affect RNA splicing. In summary, the available evidence is currently insufficient to determine the role of this variant in disease. Therefore, it has been classified as a Variant of Uncertain Significance.

Literature cited by the submitters: PubMed 17576681; PubMed 9536098.

NM_182746.3(MCM4):c.235+4C>T

Gene: MCM4 (minichromosome maintenance complex component 4; plus strand). Cytogenetic location: 8q11.21.
Variant type: single nucleotide variant.
Coding change: c.235+4C>T on transcript NM_182746.3 (MANE Select); 4 bases into the intron after coding-DNA position 235, C replaced by T.
Molecular consequence: intron variant.
Genome position (GRCh38, 1-based): chr8:47,961,684, C>T. VCF-style: chr8-47961684-C-T. GRCh37 (hg19) VCF-style: chr8-48874244-C-T.
Other names: c.235+4C>T (NM_005914.4).
Identifiers: ClinVar variation 2149760 (VCV002149760.1), dbSNP rs749639468, ClinGen allele CA4742212.